The following is an entry in ClinVar:

NM_005002.5(NDUFA9):c.961C>T (p.Arg321Trp)

Gene: NDUFA9 (NADH:ubiquinone oxidoreductase subunit A9; plus strand). Cytogenetic location: 12p13.32.
Variant type: single nucleotide variant.
Coding change: c.961C>T on transcript NM_005002.5 (MANE Select); coding-DNA position 961, C replaced by T.
Protein change: p.Arg321Trp; replaces arginine 321 with tryptophan.
Molecular consequence: missense variant.
Genome position (GRCh38, 1-based): chr12:4,685,323, C>T. VCF-style: chr12-4685323-C-T. GRCh37 (hg19) VCF-style: chr12-4794489-C-T.
Other names: short protein forms R321W.
Identifiers: ClinVar variation 2604242 (VCV002604242.10), dbSNP rs530981804, ClinGen allele CA6398327.
Genomic context (GRCh38, chr12:4,685,323, plus strand): 5'-GTAGCAAGAGTCTTTGAAATAAGCCCATTTGAGCCCTGGATAACAAGGGATAAAGTGGAG[C>T]GGGTGAGTACATGTGTGGAAAGCGTCTGCCTGGGCAGATGATGAGGCGTTAGACTTATTT-3'
Protein context (NP_004993.1, residues 311-331): EPWITRDKVE[Arg321Trp]MHITDMKLPH

ClinVar aggregate classification (germline): Uncertain significance. Review status: criteria provided, multiple submitters, no conflicts (2 of 4 stars). 2 submissions from 2 submitters: Uncertain significance (2). Last evaluated 2025-07-01.

Conditions:
Inborn genetic diseases. Identifiers: MedGen C0950123, MeSH D030342.

Allele frequency attached by ClinVar (database versions not stated): gnomAD exomes 0.00002; ExAC 0.00003; TOPMed 0.00003; gnomAD 0.00007; 1000 Genomes Project 30x 0.00016; 1000 Genomes Project 0.00020.
gnomAD v4.1: 32 of 1,612,892 alleles (0.002%); highest among the groups gnomAD compares: South Asian, 0.02%; no homozygotes.

Submissions (2):

CeGaT Center for Human Genetics Tuebingen
Classification: Uncertain significance. Last evaluated: 2025-07-01. Review status: criteria provided, single submitter. Criteria: CeGaT Center For Human Genetics Tuebingen Variant Classification Criteria Version 2. Collection method: clinical testing. Allele origin: germline. Affected: yes. Observed: 1 variant allele.
Comment: NDUFA9: PM2, PM5:Supporting

Ambry Genetics
Classification: Uncertain significance for Inborn genetic diseases. Last evaluated: 2023-06-16. Review status: criteria provided, single submitter. Criteria: Ambry Variant Classification Scheme 2023. Collection method: clinical testing. Allele origin: germline.